The following is an entry in ClinVar:

ClinVar aggregate classification (germline): Likely benign. Review status: criteria provided, multiple submitters, no conflicts (2 of 4 stars). 2 submissions from 2 submitters: Likely benign (2). Last evaluated 2025-12-16.

Conditions:
Emery-Dreifuss muscular dystrophy 4, autosomal dominant (EDMD4). Also called: EMERY-DREIFUSS MUSCULAR DYSTROPHY 4 WITH VARIABLE FEATURES. Identifiers: Orphanet 261, MedGen C2751807, MONDO:0013071, OMIM 612998.
Autosomal recessive ataxia, Beauce type. Also called: SYNE1-Related Autosomal Recessive Cerebellar Ataxia; SYNE1 Deficiency; ATAXIA, RECESSIVE, OF BEAUCE; Spinocerebellar ataxia, autosomal recessive 8. Identifiers: Orphanet 88644, MedGen C1853116, MONDO:0012549, OMIM 610743.

Allele frequency attached by ClinVar (database versions not stated): gnomAD exomes 0.00003 and 0.00009; ExAC 0.00011; gnomAD 0.00023 and 0.00024; TOPMed 0.00024; 1000 Genomes Project 30x 0.00031; ESP Exome Variant Server 0.00038; 1000 Genomes Project 0.00040.
gnomAD v4.1: 79 of 1,613,980 alleles (0.0049%); highest among the groups gnomAD compares: African/African-American, 0.067%; no homozygotes.

Submissions (2):

Labcorp Genetics (formerly Invitae), Labcorp
Classification: Likely benign for Emery-Dreifuss muscular dystrophy 4, autosomal dominant; Autosomal recessive ataxia, Beauce type. Last evaluated: 2025-12-16. Review status: criteria provided, single submitter. Criteria: Invitae Variant Classification Sherloc (09022015). Collection method: clinical testing. Allele origin: germline.

CeGaT Center for Human Genetics Tuebingen
Classification: Likely benign. Last evaluated: 2022-07-01. Review status: criteria provided, single submitter. Criteria: CeGaT Center For Human Genetics Tuebingen Variant Classification Criteria Version 2. Collection method: clinical testing. Allele origin: germline. Affected: yes. Observed: 1 variant allele.
Comment: SYNE1: BP4, BP7

NM_182961.4(SYNE1):c.8550C>T (p.His2850=)

Genes: SYNE1 (spectrin repeat containing nuclear envelope protein 1; minus strand), LOC126859838 (CDK7 strongly-dependent group 2 enhancer GRCh37_chr6:152706655-152707854; plus strand). Cytogenetic location: 6q25.2.
Variant type: single nucleotide variant.
Coding change: c.8550C>T on transcript NM_182961.4 (MANE Select); coding-DNA position 8550, C replaced by T.
Protein change: p.His2850=; no amino-acid change (histidine 2850 retained).
Molecular consequence: synonymous variant.
Genome position (GRCh38, 1-based): chr6:152,385,776, G>A on the plus strand (C>T on the coding strand, the complement: SYNE1 is on the minus strand). VCF-style: chr6-152385776-G-A. GRCh37 (hg19) VCF-style: chr6-152706911-G-A.
Other names: c.8571C>T, p.His2857= (NM_033071.5).
Identifiers: ClinVar variation 770834 (VCV000770834.34), dbSNP rs140565986, ClinGen allele CA4057518.